The following is an entry in ClinVar:

NM_001130144.3(LTBP3):c.2570G>A (p.Arg857Gln)

Gene: LTBP3 (latent transforming growth factor beta binding protein 3; minus strand). Cytogenetic location: 11q13.1.
Variant type: single nucleotide variant.
Coding change: c.2570G>A on transcript NM_001130144.3 (MANE Select); coding-DNA position 2570, G replaced by A.
Protein change: p.Arg857Gln; replaces arginine 857 with glutamine.
Molecular consequence: missense variant.
Genome position (GRCh38, 1-based): chr11:65,543,131, C>T on the plus strand (G>A on the coding strand, the complement: LTBP3 is on the minus strand). VCF-style: chr11-65543131-C-T. GRCh37 (hg19) VCF-style: chr11-65310602-C-T.
Other names: c.2219G>A, p.Arg740Gln (NM_001164266.1); c.2570G>A, p.Arg857Gln (NM_021070.4); short protein forms R857Q, R740Q.
Identifiers: ClinVar variation 1793238 (VCV001793238.8), dbSNP rs143450877, ClinGen allele CA6100567.

ClinVar aggregate classification (germline): Uncertain significance. Review status: criteria provided, multiple submitters, no conflicts (2 of 4 stars). 2 submissions from 2 submitters: Uncertain significance (2). Last evaluated 2025-08-29.

Conditions:
Inborn genetic diseases. Identifiers: MedGen C0950123, MeSH D030342.
Brachyolmia-amelogenesis imperfecta syndrome. Also called: PLATYSPONDYLY WITH AMELOGENESIS IMPERFECTA; Tooth agenesis, selective, 6; Dental anomalies and short stature. Identifiers: Orphanet 2899, MedGen C1832594, MONDO:0011018, OMIM 601216. Disease mechanism: loss of function.

Allele frequency attached by ClinVar (database versions not stated): gnomAD exomes 0.00002; ExAC 0.00005; gnomAD 0.00005; TOPMed 0.00005; ESP Exome Variant Server 0.00008.
gnomAD v4.1: 41 of 1,614,000 alleles (0.0025%); highest among the groups gnomAD compares: Admixed American, 0.028%; no homozygotes.

Submissions (2):

Labcorp Genetics (formerly Invitae), Labcorp
Classification: Uncertain significance for Brachyolmia-amelogenesis imperfecta syndrome. Last evaluated: 2025-08-29. Review status: criteria provided, single submitter. Criteria: Invitae Variant Classification Sherloc (09022015). Collection method: clinical testing. Allele origin: germline.
Comment: This sequence change replaces arginine, which is basic and polar, with glutamine, which is neutral and polar, at codon 857 of the LTBP3 protein (p.Arg857Gln). This variant is present in population databases (rs143450877, gnomAD 0.02%). This variant has not been reported in the literature in individuals affected with LTBP3-related conditions. ClinVar contains an entry for this variant (Variation ID: 1793238). An algorithm developed to predict the effect of missense changes on protein structure and function (PolyPhen-2) suggests that this variant is likely to be tolerated. In summary, the available evidence is currently insufficient to determine the role of this variant in disease. Therefore, it has been classified as a Variant of Uncertain Significance.

Ambry Genetics
Classification: Uncertain significance for Inborn genetic diseases. Last evaluated: 2025-06-16. Review status: criteria provided, single submitter. Criteria: Ambry Variant Classification Scheme 2023. Collection method: clinical testing. Allele origin: germline.